The following is an entry in ClinVar:

ClinVar aggregate classification (germline): Uncertain significance. Review status: criteria provided, multiple submitters, no conflicts (2 of 4 stars). 2 submissions from 2 submitters: Uncertain significance (2). Last evaluated 2025-07-31.

Conditions:
Inborn genetic diseases. Identifiers: MedGen C0950123, MeSH D030342.

gnomAD v4.1: 1 of 1,611,674 alleles (0.000062%); no homozygotes.

Submissions (2):

Ambry Genetics
Classification: Uncertain significance for Inborn genetic diseases. Last evaluated: 2025-07-31. Review status: criteria provided, single submitter. Criteria: Ambry Variant Classification Scheme 2023. Collection method: clinical testing. Allele origin: germline.

Labcorp Genetics (formerly Invitae), Labcorp
Classification: Uncertain significance. Last evaluated: 2024-10-29. Review status: criteria provided, single submitter. Criteria: Invitae Variant Classification Sherloc (09022015). Collection method: clinical testing. Allele origin: germline.
Comment: This sequence change replaces threonine, which is neutral and polar, with alanine, which is neutral and non-polar, at codon 332 of the QRSL1 protein (p.Thr332Ala). This variant is not present in population databases (gnomAD no frequency). This variant has not been reported in the literature in individuals affected with QRSL1-related conditions. ClinVar contains an entry for this variant (Variation ID: 1939478). Invitae Evidence Modeling of protein sequence and biophysical properties (such as structural, functional, and spatial information, amino acid conservation, physicochemical variation, residue mobility, and thermodynamic stability) indicates that this missense variant is not expected to disrupt QRSL1 protein function with a negative predictive value of 80%. In summary, the available evidence is currently insufficient to determine the role of this variant in disease. Therefore, it has been classified as a Variant of Uncertain Significance.

NM_018292.5(QRSL1):c.994A>G (p.Thr332Ala)

Gene: QRSL1 (glutaminyl-tRNA amidotransferase subunit QRSL1; plus strand). Cytogenetic location: 6q21.
Variant type: single nucleotide variant.
Coding change: c.994A>G on transcript NM_018292.5 (MANE Select); coding-DNA position 994, A replaced by G.
Protein change: p.Thr332Ala; replaces threonine 332 with alanine.
Molecular consequence: missense variant.
Genome position (GRCh38, 1-based): chr6:106,654,874, A>G. VCF-style: chr6-106654874-A-G. GRCh37 (hg19) VCF-style: chr6-107102749-A-G.
Other names: c.994A>G (NM_018292.4); short protein forms T332A.
Identifiers: ClinVar variation 1939478 (VCV001939478.6), dbSNP rs2482521109, ClinGen allele CA365155287.